The following is an entry in ClinVar:

ClinVar aggregate classification (germline): Likely benign (1 of 4 stars; one submission).

gnomAD v4.1: 440 of 1,613,554 alleles (0.027%); highest among the groups gnomAD compares: African/African-American, 0.39%; no homozygotes.

Submission:

Mayo Clinic Laboratories, Mayo Clinic
Classification: Likely benign. Last evaluated: 2024-12-30. Review status: criteria provided, single submitter. Criteria: ACMG Guidelines, 2015. Collection method: clinical testing. Allele origin: germline. Observed: 1 variant allele.
Comment: BP4, BP7

NM_007098.4(CLTCL1):c.3057C>T (p.Ser1019=)

Gene: CLTCL1 (clathrin heavy chain like 1; minus strand). Cytogenetic location: 22q11.21.
Variant type: single nucleotide variant.
Coding change: c.3057C>T on transcript NM_007098.4 (MANE Select); coding-DNA position 3057, C replaced by T.
Protein change: p.Ser1019=; no amino-acid change (serine 1019 retained).
Molecular consequence: synonymous variant.
Genome position (GRCh38, 1-based): chr22:19,216,119, G>A on the plus strand (C>T on the coding strand, the complement: CLTCL1 is on the minus strand). VCF-style: chr22-19216119-G-A. GRCh37 (hg19) VCF-style: chr22-19203629-G-A.
Other names: p.Ser1019=; c.3057C>T, p.Ser1019= (NM_001835.4).
Identifiers: ClinVar variation 4684456 (VCV004684456.1).
Genomic context (GRCh38, chr22:19,216,119, plus strand): 5'-GCAGATGTTTTGAATCTGCCTGTGTCCACAGCTACCCCTGGCATAGCCTCACCTGTGCTC[G>A]CTGAAGACAGAGTTATCCAGAACTATCTTCTCCAGCAGTTCAATCAGTTCATTAGGCAGG-3'
Protein context (NP_009029.3, residues 1009-1029): EKIVLDNSVF[Ser1019=]EHRNLQNLLI